The following is an entry in ClinVar:

ClinVar aggregate classification (germline): Uncertain significance (1 of 4 stars; one submission).

Conditions:
Hereditary cancer-predisposing syndrome. Also called: Tumor predisposition; Hereditary neoplastic syndrome; Hereditary Cancer Syndrome; Neoplastic Syndromes, Hereditary. Identifiers: Orphanet 140162, MedGen C0027672, MeSH D009386, MONDO:0015356.

Submission:

Ambry Genetics
Classification: Uncertain significance for Hereditary cancer-predisposing syndrome. Last evaluated: 2024-02-16. Review status: criteria provided, single submitter. Criteria: Ambry Variant Classification Scheme 2023. Collection method: clinical testing. Allele origin: germline.
Comment: The p.K1133R variant (also known as c.3398A>G), located in coding exon 17 of the BLM gene, results from an A to G substitution at nucleotide position 3398. The lysine at codon 1133 is replaced by arginine, an amino acid with highly similar properties. This amino acid position is conserved. In addition, this alteration is predicted to be tolerated by in silico analysis. Based on the available evidence, the clinical significance of this alteration remains unclear.

NM_000057.4(BLM):c.3398A>G (p.Lys1133Arg)

Gene: BLM (BLM RecQ like helicase; plus strand). Cytogenetic location: 15q26.1.
Variant type: single nucleotide variant.
Coding change: c.3398A>G on transcript NM_000057.4 (MANE Select); coding-DNA position 3398, A replaced by G.
Protein change: p.Lys1133Arg; replaces lysine 1133 with arginine.
Molecular consequence: missense variant. On other transcripts: intron variant (1).
Genome position (GRCh38, 1-based): chr15:90,803,560, A>G. VCF-style: chr15-90803560-A-G. GRCh37 (hg19) VCF-style: chr15-91346790-A-G.
Other names: c.3398A>G, p.Lys1133Arg (NM_001287246.2); c.2273A>G, p.Lys758Arg (NM_001287248.2); c.3358+5223A>G (NM_001287247.2); short protein forms K1133R, K758R.
Identifiers: ClinVar variation 3224457 (VCV003224457.1), dbSNP rs2505546824, ClinGen allele CA393847510.